The following is an entry in ClinVar:

NM_145868.2(ANXA11):c.795A>G (p.Thr265=)

Gene: ANXA11 (annexin A11; minus strand). Cytogenetic location: 10q22.3.
Variant type: single nucleotide variant.
Coding change: c.795A>G on transcript NM_145868.2 (MANE Select); coding-DNA position 795, A replaced by G.
Protein change: p.Thr265=; no amino-acid change (threonine 265 retained).
Molecular consequence: synonymous variant.
Genome position (GRCh38, 1-based): chr10:80,166,147, T>C on the plus strand (A>G on the coding strand, the complement: ANXA11 is on the minus strand). VCF-style: chr10-80166147-T-C. GRCh37 (hg19) VCF-style: chr10-81925903-T-C.
Other names: c.795A>G, p.Thr265= (NM_001157.3, NM_001278407.2, NM_001278408.2 and 1 more transcripts); c.696A>G, p.Thr232= (NM_001278409.2); c.795A>G (NM_145869.1).
Identifiers: ClinVar variation 1675028 (VCV001675028.11), dbSNP rs150935845, ClinGen allele CA5576117.

ClinVar aggregate classification (germline): Likely benign. Review status: criteria provided, multiple submitters, no conflicts (2 of 4 stars). 3 submissions from 3 submitters: Likely benign (2). 1 of the submissions does not count toward it. Last evaluated 2026-08-01.

Conditions:
ANXA11-related disorder. Also called: ANXA11-related condition.

Allele frequency attached by ClinVar (database versions not stated): TOPMed 0.00018; ESP Exome Variant Server 0.00046.

Submissions (3):

CeGaT Center for Human Genetics Tuebingen
Classification: Likely benign. Last evaluated: 2026-08-01. Review status: criteria provided, single submitter. Criteria: CeGaT Center For Human Genetics Tuebingen Variant Classification Criteria Version 2. Collection method: clinical testing. Allele origin: germline. Affected: yes. Observed: 1 variant allele.
Comment: ANXA11: BP4, BP7

Labcorp Genetics (formerly Invitae), Labcorp
Classification: Likely benign. Last evaluated: 2025-07-08. Review status: criteria provided, single submitter. Criteria: Invitae Variant Classification Sherloc (09022015). Collection method: clinical testing. Allele origin: germline.

PreventionGenetics, part of Exact Sciences
Classification: Likely benign for ANXA11-related condition. Last evaluated: 2023-02-15. Review status: no assertion criteria provided. Collection method: clinical testing. Allele origin: germline. Not counted in ClinVar's aggregate classification.
Comment: This variant is classified as likely benign based on ACMG/AMP sequence variant interpretation guidelines (Richards et al. 2015 PMID: 25741868, with internal and published modifications).